The following is an entry in ClinVar:

NM_000428.3(LTBP2):c.4084G>T (p.Glu1362Ter)

Gene: LTBP2 (latent transforming growth factor beta binding protein 2; minus strand). Cytogenetic location: 14q24.3.
Variant type: single nucleotide variant.
Coding change: c.4084G>T on transcript NM_000428.3 (MANE Select); coding-DNA position 4084, G replaced by T.
Protein change: p.Glu1362Ter; replaces glutamic acid 1362 with a stop codon.
Molecular consequence: nonsense.
Genome position (GRCh38, 1-based): chr14:74,506,141, C>A on the plus strand (G>T on the coding strand, the complement: LTBP2 is on the minus strand). VCF-style: chr14-74506141-C-A. GRCh37 (hg19) VCF-style: chr14-74972844-C-A.
Other names: short protein forms E1362*.
Identifiers: ClinVar variation 4728482 (VCV004728482.1).

ClinVar aggregate classification (germline): Pathogenic (1 of 4 stars; one submission).

Submission:

Labcorp Genetics (formerly Invitae), Labcorp
Classification: Pathogenic. Last evaluated: 2025-10-05. Review status: criteria provided, single submitter. Criteria: Invitae Variant Classification Sherloc (09022015). Collection method: clinical testing. Allele origin: germline.
Comment: This sequence change creates a premature translational stop signal (p.Glu1362*) in the LTBP2 gene. It is expected to result in an absent or disrupted protein product. Loss-of-function variants in LTBP2 are known to be pathogenic (PMID: 19361779, 19656777, 22025892). This variant is not present in population databases (gnomAD no frequency). This variant has not been reported in the literature in individuals affected with LTBP2-related conditions. Algorithms developed to predict the effect of sequence changes on RNA splicing suggest that this variant may disrupt the consensus splice site. For these reasons, this variant has been classified as Pathogenic.

Literature cited by the submitters: PubMed 19361779; PubMed 19656777; PubMed 22025892.